The following is an entry in ClinVar:

ClinVar aggregate classification (germline): Uncertain significance (1 of 4 stars; one submission).

Submission:

GeneDx
Classification: Uncertain significance. Last evaluated: 2026-06-02. Review status: criteria provided, single submitter. Criteria: GeneDx Variant Classification Process June 2021. Collection method: clinical testing. Allele origin: germline.
Comment: Not observed at significant frequency in large population cohorts (gnomAD); In silico analysis suggests that this missense variant does not alter protein structure/function; Has not been previously published as pathogenic or benign to our knowledge

NM_001162501.2(TNRC6B):c.1781G>A (p.Arg594Lys)

Gene: TNRC6B (trinucleotide repeat containing adaptor 6B; plus strand). Cytogenetic location: 22q13.1.
Variant type: single nucleotide variant.
Coding change: c.1781G>A on transcript NM_001162501.2 (MANE Select); coding-DNA position 1781, G replaced by A.
Protein change: p.Arg594Lys; replaces arginine 594 with lysine.
Molecular consequence: missense variant. On other transcripts: intron variant (1).
Genome position (GRCh38, 1-based): chr22:40,266,011, G>A. VCF-style: chr22-40266011-G-A. GRCh37 (hg19) VCF-style: chr22-40662015-G-A.
Other names: c.1781G>A, p.Arg594Lys (NM_015088.3); c.565+3838G>A (NM_001024843.2); short protein forms R594K.
Identifiers: ClinVar variation 4685038 (VCV004685038.2).